The following is an entry in ClinVar:

NM_014363.6(SACS):c.5824_5827del (p.Tyr1942fs)

Gene: SACS (sacsin molecular chaperone; minus strand). Cytogenetic location: 13q12.12.
Variant type: Microsatellite.
Coding change: c.5824_5827del on transcript NM_014363.6 (MANE Select); coding-DNA positions 5824 to 5827, 4 bases deleted (TACT; older notation c.5824_5827delTACT).
Protein change: p.Tyr1942fs; shifts the reading frame from tyrosine 1942.
Molecular consequence: frameshift variant.
Genome position (GRCh38, 1-based): chr13:23,338,049-23,338,052, AGTA deleted on the plus strand (TACT on the coding strand, the reverse complement: SACS is on the minus strand); deleting any 4 consecutive bases within chr13:23,338,049-23,338,056 gives the same sequence; the c. name uses the placement nearest the transcript's 3' end. VCF-style (leftmost placement, unchanged base first): chr13-23338048-TAGTA-T. GRCh37 (hg19) VCF-style: chr13-23912187-TAGTA-T.
Other names: c.5383_5386del, p.Tyr1795fs (NM_001278055.2); short protein forms Y1795fs, Y1942fs.
Identifiers: ClinVar variation 1451188 (VCV001451188.10), dbSNP rs2137615500, ClinGen allele CA2580614619.

ClinVar aggregate classification (germline): Pathogenic. Review status: criteria provided, multiple submitters, no conflicts (2 of 4 stars). 2 submissions from 2 submitters: Pathogenic (2). Last evaluated 2022-05-31.

Conditions:
Spastic paraplegia. Identifiers: MedGen C0037772, HP:0001258.
Charlevoix-Saguenay spastic ataxia (SACS). Also called: AUTOSOMAL RECESSIVE SPASTIC ATAXIA OF CHARLEVOIX-SAGUENAY; SPASTIC ATAXIA 6, AUTOSOMAL RECESSIVE; Spastic ataxia of Charlevoix-Saguenay. Identifiers: Orphanet 98, MedGen C1849140, MONDO:0010041, OMIM 270550.

Submissions (2):

Revvity Omics, Revvity
Classification: Pathogenic for Charlevoix-Saguenay spastic ataxia. Last evaluated: 2022-05-31. Review status: criteria provided, single submitter. Criteria: ACMG Guidelines, 2015. Collection method: clinical testing. Allele origin: germline.

Labcorp Genetics (formerly Invitae), Labcorp
Classification: Pathogenic for Spastic paraplegia. Last evaluated: 2021-02-08. Review status: criteria provided, single submitter. Criteria: Invitae Variant Classification Sherloc (09022015). Collection method: clinical testing. Allele origin: germline.
Comment: For these reasons, this variant has been classified as Pathogenic. This sequence change creates a premature translational stop signal (p.Tyr1942Metfs*9) in the SACS gene. While this is not anticipated to result in nonsense mediated decay, it is expected to disrupt the last 2638 amino acid(s) of the SACS protein. This variant is not present in population databases (ExAC no frequency). This variant has not been reported in the literature in individuals with SACS-related conditions. This variant disrupts the C-terminus of the SACS protein. Other variant(s) that disrupt this region (p.Glu4510Argfs*4) have been determined to be pathogenic (PMID: 29915382, Invitae). This suggests that variants that disrupt this region of the protein are likely to be causative of disease.

Literature cited by the submitters: PubMed 29915382 (cited by Labcorp Genetics (formerly Invitae), Labcorp).